The following is an entry in ClinVar:

ClinVar aggregate classification (germline): Likely benign (1 of 4 stars; one submission).

Submission:

GeneDx
Classification: Likely benign. Last evaluated: 2016-06-13. Review status: criteria provided, single submitter. Criteria: GeneDx Variant Classification (06012015). Collection method: clinical testing. Allele origin: germline. Affected: yes.
Comment: This variant is considered likely benign or benign based on one or more of the following criteria: it is a conservative change, it occurs at a poorly conserved position in the protein, it is predicted to be benign by multiple in silico algorithms, and/or has population frequency not consistent with disease.

NM_001244008.2(KIF1A):c.959-4del

Gene: KIF1A (kinesin family member 1A; minus strand). Cytogenetic location: 2q37.3.
Variant type: Deletion.
Coding change: c.959-4del on transcript NM_001244008.2 (MANE Select); 4 bases into the intron before coding-DNA position 959, one base deleted (A; older notation c.959-4delA).
Molecular consequence: intron variant.
Genome position (GRCh38, 1-based): chr2:240,774,265, T deleted on the plus strand (A on the coding strand, the reverse complement: KIF1A is on the minus strand). VCF-style (leftmost placement, unchanged base first): chr2-240774264-GT-G. GRCh37 (hg19) VCF-style: chr2-241713681-GT-G.
Other names: c.959-4del (NM_001379653.1, NM_001379650.1, NM_001379645.1 and 20 more transcripts).
Identifiers: ClinVar variation 421352 (VCV000421352.1), dbSNP rs1064795079, ClinGen allele CA16617509.